The following is an entry in ClinVar:

ClinVar aggregate classification (germline): Likely benign. Review status: criteria provided, multiple submitters, no conflicts (2 of 4 stars). 2 submissions from 2 submitters: Likely benign (2). Last evaluated 2025-08-01.

Conditions:
Inborn genetic diseases. Identifiers: MedGen C0950123, MeSH D030342.

Submissions (2):

CeGaT Center for Human Genetics Tuebingen
Classification: Likely benign. Last evaluated: 2025-08-01. Review status: criteria provided, single submitter. Criteria: CeGaT Center For Human Genetics Tuebingen Variant Classification Criteria Version 2. Collection method: clinical testing. Allele origin: germline. Affected: yes. Observed: 1 variant allele.
Comment: WT1: PM2:Supporting, BP4, BP7

Ambry Genetics
Classification: Likely benign for Inborn genetic diseases. Last evaluated: 2024-12-25. Review status: criteria provided, single submitter. Criteria: Ambry Variant Classification Scheme 2023. Collection method: clinical testing. Allele origin: germline.

NM_024426.6(WT1):c.507T>C (p.Phe169=)

Genes: WT1 (WT1 transcription factor; minus strand), LOC107982234 (WT1/WT1-AS bi-directional promoter region; plus strand). Cytogenetic location: 11p13.
Variant type: single nucleotide variant.
Coding change: c.507T>C on transcript NM_024426.6 (MANE Select); coding-DNA position 507, T replaced by C.
Protein change: p.Phe169=; no amino-acid change (phenylalanine 169 retained).
Molecular consequence: synonymous variant. On other transcripts: non-coding transcript variant (2).
Genome position (GRCh38, 1-based): chr11:32,434,854, A>G on the plus strand (T>C on the coding strand, the complement: WT1 is on the minus strand). VCF-style: chr11-32434854-A-G. GRCh37 (hg19) VCF-style: chr11-32456400-A-G.
Other names: c.507T>C, p.Phe169= (NM_000378.6, NM_001407044.1, NM_001407045.1 and 6 more transcripts); c.288T>C, p.Phe96= (NM_001429031.1, NM_001429032.1, NM_001429033.1 and 1 more transcripts).
Identifiers: ClinVar variation 3817457 (VCV003817457.9).